The following is an entry in ClinVar:

NM_001206927.2(DNAH8):c.10790+4G>A

Genes: DNAH8 (dynein axonemal heavy chain 8; plus strand), DNAH8-AS1 (DNAH8 antisense RNA 1; minus strand). Cytogenetic location: 6p21.2.
Variant type: single nucleotide variant.
Coding change: c.10790+4G>A on transcript NM_001206927.2 (MANE Select); 4 bases into the intron after coding-DNA position 10790, G replaced by A.
Molecular consequence: intron variant. On other transcripts: non-coding transcript variant (1).
Genome position (GRCh38, 1-based): chr6:38,923,189, G>A. VCF-style: chr6-38923189-G-A. GRCh37 (hg19) VCF-style: chr6-38890965-G-A.
Other names: c.10139+4G>A (NM_001371.4).
Identifiers: ClinVar variation 700904 (VCV000700904.14), dbSNP rs571129029, ClinGen allele CA3790827.
Genomic context (GRCh38, chr6:38,923,189, plus strand): 5'-TGGAGAAAAAATCCGGTGGACCCAGCAAAGTAAAGAATTCAAAGCTCAGATTAATAGGTG[G>A]GAATCTGGGTCTTCTTCATAATCACTCTTTCTTTGTGACATTAGAGAACATAAAGTCCAT-3'

ClinVar aggregate classification (germline): Likely benign. Review status: criteria provided, multiple submitters, no conflicts (2 of 4 stars). 3 submissions from 3 submitters: Likely benign (2). 1 of the submissions does not count toward it. Last evaluated 2025-08-04.

Conditions:
DNAH8-related disorder. Also called: DNAH8-related condition.
Primary ciliary dyskinesia. Also called: Ciliary dyskinesia. Identifiers: Orphanet 244, MedGen C0008780, MONDO:0016575, HP:0012265.

Allele frequency attached by ClinVar (database versions not stated): gnomAD 0.00013 and 0.00001; gnomAD exomes 0.00024 and 0.00046; ExAC 0.00049; 1000 Genomes Project 0.00060; 1000 Genomes Project 30x 0.00094; TOPMed 0.00002.
gnomAD v4.1: 367 of 1,612,218 alleles (0.023%); highest among the groups gnomAD compares: South Asian, 0.38%; 11 homozygotes.

Submissions (3):

Labcorp Genetics (formerly Invitae), Labcorp
Classification: Likely benign for Primary ciliary dyskinesia. Last evaluated: 2025-08-04. Review status: criteria provided, single submitter. Criteria: Invitae Variant Classification Sherloc (09022015). Collection method: clinical testing. Allele origin: germline.

Blueprint Genetics
Classification: Likely benign. Last evaluated: 2024-02-09. Review status: criteria provided, single submitter. Criteria: ACMG Guidelines, 2015. Collection method: clinical testing. Allele origin: germline.

PreventionGenetics, part of Exact Sciences
Classification: Likely benign for DNAH8-related condition. Last evaluated: 2019-10-25. Review status: no assertion criteria provided. Collection method: clinical testing. Allele origin: germline. Not counted in ClinVar's aggregate classification.
Comment: This variant is classified as likely benign based on ACMG/AMP sequence variant interpretation guidelines (Richards et al. 2015 PMID: 25741868, with internal and published modifications).